The following is an entry in ClinVar:

ClinVar aggregate classification (germline): Uncertain significance (1 of 4 stars; one submission).

Submission:

Labcorp Genetics (formerly Invitae), Labcorp
Classification: Uncertain significance. Last evaluated: 2022-08-22. Review status: criteria provided, single submitter. Criteria: Invitae Variant Classification Sherloc (09022015). Collection method: clinical testing. Allele origin: germline.
Comment: This variant, c.136_141del, results in the deletion of 2 amino acid(s) of the IFT43 protein (p.Leu46_Thr47del), but otherwise preserves the integrity of the reading frame. This variant is present in population databases (rs771734486, gnomAD 0.05%). This variant has not been reported in the literature in individuals affected with IFT43-related conditions. ClinVar contains an entry for this variant (Variation ID: 1063214). Experimental studies and prediction algorithms are not available or were not evaluated, and the functional significance of this variant is currently unknown. In summary, the available evidence is currently insufficient to determine the role of this variant in disease. Therefore, it has been classified as a Variant of Uncertain Significance.

NM_001102564.3(IFT43):c.136_141del (p.44LT[1])

Gene: IFT43 (intraflagellar transport 43; plus strand). Cytogenetic location: 14q24.3.
Variant type: Deletion.
Coding change: c.136_141del on transcript NM_001102564.3 (MANE Select); coding-DNA positions 136 to 141, 6 bases deleted (CTGACT; older notation c.136_141delCTGACT).
Protein change: p.44LT[1].
Molecular consequence: inframe deletion. On other transcripts: non-coding transcript variant (2).
Genome position (GRCh38, 1-based): chr14:75,988,966-75,988,971, CTGACT deleted; deleting any 6 consecutive bases within chr14:75,988,961-75,988,971 gives the same sequence; the c. name uses the placement nearest the transcript's 3' end. VCF-style (leftmost placement, unchanged base first): chr14-75988960-TTGACTC-T. GRCh37 (hg19) VCF-style: chr14-76455303-TTGACTC-T.
Other names: c.136_141del, p.44LT[1] (NM_001255995.3, NM_052873.3).
Identifiers: ClinVar variation 1063214 (VCV001063214.6), dbSNP rs771734486, ClinGen allele CA7280646.